The following is an entry in ClinVar:

ClinVar aggregate classification (germline): Uncertain significance (1 of 4 stars; one submission).

Conditions:
Familial cancer of breast. Also called: BREAST CANCER, FAMILIAL; Hereditary breast cancer; hereditary breast carcinoma. Identifiers: Orphanet 227535, MedGen C0346153, MONDO:0016419, OMIM 114480. Disease mechanism: loss of function.
Fanconi anemia complementation group J. Also called: BRIP1-Related Fanconi Anemia. Identifiers: Orphanet 84, MedGen C1836860, MONDO:0012187, OMIM 609054.

Submission:

Labcorp Genetics (formerly Invitae), Labcorp
Classification: Uncertain significance for Familial cancer of breast; Fanconi anemia complementation group J. Last evaluated: 2022-05-18. Review status: criteria provided, single submitter. Criteria: Invitae Variant Classification Sherloc (09022015). Collection method: clinical testing. Allele origin: germline.
Comment: Algorithms developed to predict the effect of missense changes on protein structure and function are either unavailable or do not agree on the potential impact of this missense change (SIFT: "Deleterious"; PolyPhen-2: "Probably Damaging"; Align-GVGD: "Class C0"). In summary, the available evidence is currently insufficient to determine the role of this variant in disease. Therefore, it has been classified as a Variant of Uncertain Significance. This variant has not been reported in the literature in individuals affected with BRIP1-related conditions. This variant is not present in population databases (gnomAD no frequency). This sequence change replaces leucine, which is neutral and non-polar, with arginine, which is basic and polar, at codon 739 of the BRIP1 protein (p.Leu739Arg).

NM_032043.3(BRIP1):c.2216T>G (p.Leu739Arg)

Gene: BRIP1 (BRCA1 interacting DNA helicase 1; minus strand). Cytogenetic location: 17q23.2.
Variant type: single nucleotide variant.
Coding change: c.2216T>G on transcript NM_032043.3 (MANE Select); coding-DNA position 2216, T replaced by G.
Protein change: p.Leu739Arg; replaces leucine 739 with arginine.
Molecular consequence: missense variant.
Genome position (GRCh38, 1-based): chr17:61,744,473, A>C on the plus strand (T>G on the coding strand, the complement: BRIP1 is on the minus strand). VCF-style: chr17-61744473-A-C. GRCh37 (hg19) VCF-style: chr17-59821834-A-C.
Other names: short protein forms L739R.
Identifiers: ClinVar variation 1996085 (VCV001996085.4), dbSNP rs587780234, ClinGen allele CA400482952.